The following is an entry in ClinVar:

NM_000222.3(KIT):c.1588G>A (p.Val530Ile)

Gene: KIT (KIT proto-oncogene, receptor tyrosine kinase; plus strand). Cytogenetic location: 4q12.
Variant type: single nucleotide variant.
Coding change: c.1588G>A on transcript NM_000222.3 (MANE Select); coding-DNA position 1588, G replaced by A.
Protein change: p.Val530Ile; replaces valine 530 with isoleucine.
Molecular consequence: missense variant.
Genome position (GRCh38, 1-based): chr4:54,727,265, G>A. VCF-style: chr4-54727265-G-A. GRCh37 (hg19) VCF-style: chr4-55593431-G-A.
Other names: p.Val530Ile; c.1576G>A, p.Val526Ile (NM_001093772.2, NM_001385286.1); c.1591G>A, p.Val531Ile (NM_001385284.1, NM_001385290.1); c.1588G>A, p.Val530Ile (NM_001385285.1); c.1579G>A, p.Val527Ile (NM_001385288.1, NM_001385292.1); short protein forms V530I, V526I, V527I, V531I.
Identifiers: ClinVar variation 134621 (VCV000134621.63), dbSNP rs72550822, ClinGen allele CA160350.

ClinVar aggregate classification (germline): Conflicting classifications of pathogenicity. Review status: criteria provided, conflicting classifications (1 of 4 stars). 15 submissions from 13 submitters: Uncertain significance (4); Benign (1); Likely benign (7). 3 of the submissions do not count toward it. Last evaluated 2026-05-27.

Conditions:
KIT-related disorder. Also called: KIT-related condition.
Hereditary cancer-predisposing syndrome. Also called: Tumor predisposition; Hereditary neoplastic syndrome; Hereditary Cancer Syndrome; Neoplastic Syndromes, Hereditary. Identifiers: Orphanet 140162, MedGen C0027672, MeSH D009386, MONDO:0015356.
Mastocytosis. Also called: Mast Cell Disease. Identifiers: Orphanet 98292, MedGen C0024899, MONDO:0007950, HP:0100495.
Gastrointestinal stromal tumor. Also called: Gastrointestinal stromal tumor, somatic; Gastrointestinal stroma tumor. Identifiers: Orphanet 44890, MedGen C0238198, MeSH D046152, MONDO:0011719, OMIM 606764, HP:0100723.
Piebaldism. Also called: Piebald skin depigmentation. Identifiers: Orphanet 2884, MedGen C0080024, MONDO:0008244, OMIM 172800, HP:0007544.

Allele frequency attached by ClinVar (database versions not stated): gnomAD exomes 0.00055 and 0.00096; 1000 Genomes Project 0.00060; 1000 Genomes Project 30x 0.00094; TOPMed 0.00118; gnomAD 0.00119 and 0.00125; ESP Exome Variant Server 0.00138; ExAC 0.00055.

Submissions (15):

Myriad Genetics, Inc.
Classification: Likely benign for Gastrointestinal stromal tumor. Last evaluated: 2026-05-27. Review status: criteria provided, single submitter. Criteria: Myriad Autosomal Dominant, Autosomal Recessive and X-Linked Classification Criteria (2023). Collection method: clinical testing. Allele origin: unknown.
Comment: This variant is considered likely benign. This variant has been observed at a population frequency that is significantly greater than expected given the associated disease prevalence and penetrance.

Labcorp Genetics (formerly Invitae), Labcorp
Classification: Likely benign for Gastrointestinal stromal tumor. Last evaluated: 2026-02-03. Review status: criteria provided, single submitter. Criteria: Invitae Variant Classification Sherloc (09022015). Collection method: clinical testing. Allele origin: germline.

Blueprint Genetics
Classification: Likely benign. Last evaluated: 2024-11-25. Review status: criteria provided, single submitter. Criteria: ACMG Guidelines, 2015. Collection method: clinical testing. Allele origin: germline.

KCCC/NGS Laboratory, Kuwait Cancer Control Center
Classification: Likely benign for Gastrointestinal stromal tumor. Last evaluated: 2023-07-07. Review status: criteria provided, single submitter. Criteria: ACMG Guidelines, 2015. Collection method: clinical testing. Allele origin: germline. Affected: yes.

Mayo Clinic Laboratories, Mayo Clinic
Classification: Uncertain significance. Last evaluated: 2023-06-08. Review status: criteria provided, single submitter. Criteria: ACMG Guidelines, 2015. Collection method: clinical testing. Allele origin: germline. Observed: 140 variant alleles.

Institute for Clinical Genetics, University Hospital TU Dresden, University Hospital TU Dresden
Classification: Uncertain significance. Last evaluated: 2021-11-03. Review status: criteria provided, single submitter. Criteria: ACMG Guidelines, 2015. Collection method: clinical testing. Allele origin: germline.

Sema4
Classification: Likely benign for Hereditary cancer-predisposing syndrome. Last evaluated: 2021-06-27. Review status: criteria provided, single submitter. Criteria: Sema4 Curation Guidelines. Collection method: curation. Allele origin: germline.

CeGaT Center for Human Genetics Tuebingen
Classification: Uncertain significance. Last evaluated: 2021-03-01. Review status: criteria provided, single submitter. Criteria: CeGaT Center For Human Genetics Tuebingen Variant Classification Criteria Version 2. Collection method: clinical testing. Allele origin: germline. Affected: yes. Observed: 1 variant allele.

Ambry Genetics
Classification: Likely benign for Hereditary cancer-predisposing syndrome. Last evaluated: 2020-05-29. Review status: criteria provided, single submitter. Criteria: Ambry Variant Classification Scheme 2023. Collection method: clinical testing. Allele origin: germline.

Illumina Laboratory Services, Illumina
Classification: Uncertain significance for Piebaldism. Last evaluated: 2017-05-08. Review status: criteria provided, single submitter. Criteria: ICSL Variant Classification Criteria 13 December 2019. Collection method: clinical testing. Allele origin: germline.
Comment: This variant was observed as part of a predisposition screen in an ostensibly healthy population. A literature search was performed for the gene, cDNA change, and amino acid change (where applicable). Publications were found based on this search. However, the evidence from the literature, in combination with allele frequency data from public databases where available, was not sufficient to rule this variant in or out of causing disease. Therefore, this variant is classified as a variant of unknown significance.

Illumina Laboratory Services, Illumina
Classification: Likely benign for Gastrointestinal stromal tumor. Last evaluated: 2017-05-08. Review status: criteria provided, single submitter. Criteria: ICSL Variant Classification Criteria 13 December 2019. Collection method: clinical testing. Allele origin: germline.
Comment: This variant was observed as part of a predisposition screen in an ostensibly healthy population. A literature search was performed for the gene, cDNA change, and amino acid change (where applicable). Publications were found based on this search. The evidence from the literature, in combination with allele frequency data from public databases where available, was sufficient to determine this variant is unlikely to cause disease. Therefore, this variant is classified as likely benign.

Illumina Laboratory Services, Illumina
Classification: Benign for Cutaneous mastocytosis. Last evaluated: 2017-05-08. Review status: criteria provided, single submitter. Criteria: ICSL Variant Classification Criteria 13 December 2019. Collection method: clinical testing. Allele origin: germline.
Comment: This variant was observed as part of a predisposition screen in an ostensibly healthy population. A literature search was performed for the gene, cDNA change, and amino acid change (where applicable). Publications were found based on this search. The evidence from the literature, in combination with allele frequency data from public databases where available, was sufficient to rule this variant out of causing disease. Therefore, this variant is classified as benign.

PreventionGenetics, part of Exact Sciences
Classification: Likely benign for KIT-related condition. Last evaluated: 2020-09-15. Review status: no assertion criteria provided. Collection method: clinical testing. Allele origin: germline. Not counted in ClinVar's aggregate classification.
Comment: This variant is classified as likely benign based on ACMG/AMP sequence variant interpretation guidelines (Richards et al. 2015 PMID: 25741868, with internal and published modifications).

ITMI
No classification provided. Condition: AllHighlyPenetrant. Last evaluated: 2013-09-19. Review status: no classification provided. Collection method: reference population. Allele origin: germline. Not counted in ClinVar's aggregate classification.
Comment: Please see associated publication for description of ethnicities

Department of Pathology and Laboratory Medicine, Sinai Health System
Classification: Likely benign. Review status: no assertion criteria provided. Collection method: clinical testing. Allele origin: unknown. Affected: yes. Study: The Canadian Open Genetics Repository (COGR). Not counted in ClinVar's aggregate classification.
Comment: The KIT p.Val526Ile variant has been reported in patients with acute and chronic myeloid leukemia and in an aggressive fibromatosis tumor (Kurtz_2010_PMID:20339585; Kirschner_2015_PMID:25894969; Gari_1999_PMID:10554798; Beghini_2004_PMID:15339674). Functional analysis suggests that this variant may lead to higher sensitivity to Imatinib (Commenga_2013_PMID:16081693). The variant was identified in dbSNP (ID: rs72550822), ClinVar (classified as likely benign by Invitae), and LOVD 3.0, but was not identified in Cosmic. The variant was identified in control databases in 148 of 268108 chromosomes (1 homozygous) at a frequency of 0.000552 increasing the likelihood this could be a low frequency benign variant (Genome Aggregation Database March 6, 2019, v2.1.1). The variant was observed in the following populations: African in 35 of 23608 chromosomes (freq: 0.001483), European (non-Finnish) in 89 of 117972 chromosomes (freq: 0.000754), Latino in 20 of 35100 chromosomes (freq: 0.00057), Other in 3 of 6692 chromosomes (freq: 0.000448) and Ashkenazi Jewish in 1 of 9858 chromosomes (freq: 0.000101), but was not observed in the East Asian, European (Finnish), or South Asian populations. The p.Val526 residue is conserved in mammals and computational analyses (PolyPhen-2, SIFT, AlignGVGD, BLOSUM, MutationTaster) do not suggest a high likelihood of impact to the protein; this information is not very predictive of pathogenicity. The variant occurs outside of the splicing consensus sequence and in silico or computational prediction software programs (SpliceSiteFinder, MaxEntScan, NNSPLICE, GeneSplicer) do not predict a difference in splicing. In summary, based on the above information the clinical significance of this variant cannot be determined with certainty at this time although we would lean towards a more benign role for this variant. This variant is classified as likely benign.

Literature cited by the submitters: PubMed 16081693 (cited by 4 submitters); PubMed 17065430 (cited by Mayo Clinic Laboratories, Mayo Clinic and Illumina Laboratory Services, Illumina); PubMed 27258816 (cited by 4 submitters); PubMed 20339585 (cited by Sema4 and Illumina Laboratory Services, Illumina); PubMed 23593539 (cited by Sema4 and Illumina Laboratory Services, Illumina); PubMed 10554798 (cited by Sema4); PubMed 11380399 (cited by Illumina Laboratory Services, Illumina); PubMed 24728327 (cited by ITMI).